The following is an entry in ClinVar:

ClinVar aggregate classification (germline): Uncertain significance. Review status: criteria provided, multiple submitters, no conflicts (2 of 4 stars). 2 submissions from 2 submitters: Uncertain significance (2). Last evaluated 2025-08-24.

Conditions:
Inborn genetic diseases. Identifiers: MedGen C0950123, MeSH D030342.
Hereditary spastic paraplegia 48. Also called: Spastic paraplegia 48; SPASTIC PARAPLEGIA 48, AUTOSOMAL RECESSIVE. Identifiers: Orphanet 306511, MedGen C3150901, MONDO:0013342, OMIM 613647.

Allele frequency attached by ClinVar (database versions not stated): TOPMed below 0.00001; gnomAD exomes 0.00001; ExAC 0.00003; gnomAD 0.00003; 1000 Genomes Project 30x 0.00031; 1000 Genomes Project 0.00040.
gnomAD v4.1: 21 of 1,611,928 alleles (0.0013%); highest among the groups gnomAD compares: Admixed American, 0.005%; no homozygotes.

Submissions (2):

Ambry Genetics
Classification: Uncertain significance for Inborn genetic diseases. Last evaluated: 2025-08-24. Review status: criteria provided, single submitter. Criteria: Ambry Variant Classification Scheme 2023. Collection method: clinical testing. Allele origin: germline.

Labcorp Genetics (formerly Invitae), Labcorp
Classification: Uncertain significance for Hereditary spastic paraplegia 48. Last evaluated: 2021-01-06. Review status: criteria provided, single submitter. Criteria: Invitae Variant Classification Sherloc (09022015). Collection method: clinical testing. Allele origin: germline.
Comment: In summary, the available evidence is currently insufficient to determine the role of this variant in disease. Therefore, it has been classified as a Variant of Uncertain Significance. Algorithms developed to predict the effect of missense changes on protein structure and function output the following: SIFT: "Tolerated"; PolyPhen-2: "Benign"; Align-GVGD: "Class C0". The threonine amino acid residue is found in multiple mammalian species, suggesting that this missense change does not adversely affect protein function. These predictions have not been confirmed by published functional studies and their clinical significance is uncertain. This variant has not been reported in the literature in individuals with AP5Z1-related conditions. This variant is present in population databases (rs542054269, ExAC 0.02%). This sequence change replaces alanine with threonine at codon 279 of the AP5Z1 protein (p.Ala279Thr). The alanine residue is highly conserved and there is a small physicochemical difference between alanine and threonine.

NM_014855.3(AP5Z1):c.835G>A (p.Ala279Thr)

Gene: AP5Z1 (adaptor related protein complex 5 subunit zeta 1; plus strand). Cytogenetic location: 7p22.1.
Variant type: single nucleotide variant.
Coding change: c.835G>A on transcript NM_014855.3 (MANE Select); coding-DNA position 835, G replaced by A.
Protein change: p.Ala279Thr; replaces alanine 279 with threonine.
Molecular consequence: missense variant. On other transcripts: non-coding transcript variant (1).
Genome position (GRCh38, 1-based): chr7:4,784,952, G>A. VCF-style: chr7-4784952-G-A. GRCh37 (hg19) VCF-style: chr7-4824583-G-A.
Other names: c.835G>A (NM_014855.2); c.367G>A, p.Ala123Thr (NM_001364858.1); short protein forms A123T, A279T.
Identifiers: ClinVar variation 1475193 (VCV001475193.9), dbSNP rs542054269, ClinGen allele CA4137415.
Genomic context (GRCh38, chr7:4,784,952, plus strand): 5'-TTCCCACCTCCCGCAGATGACAGGTCAGAGCAGGAGGGCTCCACTCTGTCGGTGATCTCC[G>A]CCACCTCCTCTGCCGGCCGCCTGCTGCCGCCCCGGGAGCGGCTTCGGGAGGTGGCCTTCG-3'
Protein context (NP_055670.1, residues 269-289): QEGSTLSVIS[Ala279Thr]TSSAGRLLPP